The following is an entry in ClinVar:

ClinVar aggregate classification (germline): Uncertain significance (1 of 4 stars; one submission).

Conditions:
Cystic fibrosis (CF). Also called: MUCOVISCIDOSIS. Identifiers: Orphanet 586, MedGen C0010674, MONDO:0009061, OMIM 219700. Disease mechanism: loss of function.

Submission:

Ambry Genetics
Classification: Uncertain significance for Cystic fibrosis. Last evaluated: 2025-05-27. Review status: criteria provided, single submitter. Criteria: Ambry Variant Classification Scheme 2023. Collection method: clinical testing. Allele origin: germline.
Comment: The p.D639Y variant (also known as c.1915G>T), located in coding exon 14 of the CFTR gene, results from a G to T substitution at nucleotide position 1915. The aspartic acid at codon 639 is replaced by tyrosine, an amino acid with highly dissimilar properties. This amino acid position is well conserved in available vertebrate species. In addition, this alteration is predicted to be deleterious by in silico analysis. Based on the available evidence, the clinical significance of this variant remains unclear.

NM_000492.4(CFTR):c.1915G>T (p.Asp639Tyr)

Gene: CFTR (CF transmembrane conductance regulator; plus strand). Cytogenetic location: 7q31.2.
Variant type: single nucleotide variant.
Coding change: c.1915G>T on transcript NM_000492.4 (MANE Select); coding-DNA position 1915, G replaced by T.
Protein change: p.Asp639Tyr; replaces aspartic acid 639 with tyrosine.
Molecular consequence: missense variant.
Genome position (GRCh38, 1-based): chr7:117,592,082, G>T. VCF-style: chr7-117592082-G-T. GRCh37 (hg19) VCF-style: chr7-117232136-G-T.
Other names: short protein forms D639Y.
Identifiers: ClinVar variation 4001815 (VCV004001815.1), dbSNP rs397508321.